The following is an entry in ClinVar:

NM_018896.5(CACNA1G):c.6368C>A (p.Ser2123Tyr)

Gene: CACNA1G (calcium voltage-gated channel subunit alpha1 G; plus strand). Cytogenetic location: 17q21.33.
Variant type: single nucleotide variant.
Coding change: c.6368C>A on transcript NM_018896.5 (MANE Select); coding-DNA position 6368, C replaced by A.
Protein change: p.Ser2123Tyr; replaces serine 2123 with tyrosine.
Molecular consequence: missense variant. On other transcripts: non-coding transcript variant (5).
Genome position (GRCh38, 1-based): chr17:50,624,498, C>A. VCF-style: chr17-50624498-C-A. GRCh37 (hg19) VCF-style: chr17-48701859-C-A.
Other names: c.6179C>A, p.Ser2060Tyr (NM_001256324.2); c.6110C>A, p.Ser2037Tyr (NM_001256325.2); c.6098C>A, p.Ser2033Tyr (NM_001256326.2); c.6068C>A, p.Ser2023Tyr (NM_001256327.2); c.6014C>A, p.Ser2005Tyr (NM_001256328.2); c.5987C>A, p.Ser1996Tyr (NM_001256329.2, NM_198376.3, NM_198387.3); c.5954C>A, p.Ser1985Tyr (NM_001256330.2); c.5933C>A, p.Ser1978Tyr (NM_001256331.2); and 15 more; short protein forms S1973Y, S1978Y, S1985Y, S1989Y, S1992Y, S1994Y, S1996Y, S2003Y.
Identifiers: ClinVar variation 1678609 (VCV001678609.2), dbSNP rs1264876481, ClinGen allele CA400270532.
Genomic context (GRCh38, chr17:50,624,498, plus strand): 5'-TCCAGCCCCACAGCGCCCCAACCTGGGGCACCATCCCCAAACTGCCCCCACCAGGACGCT[C>A]CCCTTTGGCTCAGAGGCCACTCAGGCGCCAGGTGAGCAGATGTGGAAAGGCAGGCACAGG-3'
Protein context (NP_061496.2, residues 2113-2133): TIPKLPPPGR[Ser2123Tyr]PLAQRPLRRQ

ClinVar aggregate classification (germline): Uncertain significance (1 of 4 stars; one submission).

Conditions:
Spinocerebellar ataxia type 42. Identifiers: Orphanet 458803, MedGen C4225205, MONDO:0014776, OMIM 616795.

Allele frequency attached by ClinVar (database versions not stated): gnomAD exomes below 0.00001.
gnomAD v4.1: 6 of 1,598,956 alleles (0.00038%); highest among the groups gnomAD compares: Non-Finnish European, 0.00051%; no homozygotes.

Submission:

Molecular Genetics, Royal Melbourne Hospital
Classification: Uncertain significance for Spinocerebellar ataxia type 42. Last evaluated: 2020-10-26. Review status: criteria provided, single submitter. Criteria: ACMG Guidelines, 2015. Collection method: clinical testing. Allele origin: germline. Affected: yes.
Comment: This sequence change is predicted to replace serine with tyrosine at codon 2123 of the CACNA1G protein (p.(Ser2123Tyr)). The serine residue is highly conserved (100 vertebrates, UCSC), and is located in a cytoplasmic region. There is a large physicochemical difference between serine and tyrosine. The variant is absent in a large population cohort (gnomAD v2.1 and v3.0), and has not been reported in the relevant medical literature or databases. Multiple lines of computational evidence predict a deleterious effect for the missense substitution (4/6 algorithms). Based on the classification scheme RMH ACMG Guidelines v1.2.1, this variant is classified as a VARIANT OF UNCERTAIN SIGNIFICANCE. Following criteria are met: PM2, PP3.